The following is an entry in ClinVar:

NM_001165963.4(SCN1A):c.1377G>A (p.Gln459=)

Gene: SCN1A (sodium voltage-gated channel alpha subunit 1; minus strand). Cytogenetic location: 2q24.3.
Variant type: single nucleotide variant.
Coding change: c.1377G>A on transcript NM_001165963.4 (MANE Select); coding-DNA position 1377, G replaced by A.
Protein change: p.Gln459=; no amino-acid change (glutamine 459 retained).
Molecular consequence: synonymous variant. On other transcripts: 5 prime UTR variant (1), non-coding transcript variant (1).
Genome position (GRCh38, 1-based): chr2:166,046,770, C>T on the plus strand (G>A on the coding strand, the complement: SCN1A is on the minus strand). VCF-style: chr2-166046770-C-T. GRCh37 (hg19) VCF-style: chr2-166903280-C-T.
Other names: c.1377G>A, p.Gln459= (NM_001165964.3, NM_001202435.3, NM_001353948.2 and 10 more transcripts); c.-1049G>A (NM_001353961.2); c.1377G>A (NM_001165963.1).
Identifiers: ClinVar variation 1012965 (VCV001012965.39), dbSNP rs1697877323, ClinGen allele CA429902838.

ClinVar aggregate classification (germline): Conflicting classifications of pathogenicity. Review status: criteria provided, conflicting classifications (1 of 4 stars). 3 submissions from 3 submitters: Likely pathogenic (2); Uncertain significance (1). Last evaluated 2025-09-30.

Conditions:
Severe myoclonic epilepsy in infancy (DRVT). Also called: SEVERE MYOCLONIC EPILEPSY OF INFANCY; DEVELOPMENTAL AND EPILEPTIC ENCEPHALOPATHY 6A; Epileptic encephalopathy, early infantile, 6 (Dravet syndrome); Dravet syndrome; Severe Myoclonic Epilepsy in Infancy (SMEI). Identifiers: Orphanet 33069, MedGen C0751122, MONDO:0100135, OMIM 607208.

Submissions (3):

Institute of Human Genetics, University of Leipzig Medical Center
Classification: Likely pathogenic for Severe myoclonic epilepsy in infancy. Last evaluated: 2025-09-30. Review status: criteria provided, single submitter. Criteria: ACMG Guidelines, 2015. Collection method: clinical testing. Allele origin: de novo. Inheritance: Autosomal dominant inheritance. Affected: yes.
Comment: Criteria applied: PS1_MOD,PS2_MOD,PS4_SUP,PM2_SUP,PP3

GeneDx
Classification: Likely pathogenic. Last evaluated: 2024-02-25. Review status: criteria provided, single submitter. Criteria: GeneDx Variant Classification Process June 2021. Collection method: clinical testing. Allele origin: germline. Affected: yes.
Comment: Alters the last nucleotide of the exon and is predicted to damage the splice donor site but the effect on protein function is unclear; Deletions involving coding exons of this gene are a known mechanism of disease (HGMD); Not observed at significant frequency in large population cohorts (gnomAD); This variant is associated with the following publications: (PMID: 31302675)

CeGaT Center for Human Genetics Tuebingen
Classification: Uncertain significance. Last evaluated: 2021-01-01. Review status: criteria provided, single submitter. Criteria: CeGaT Center For Human Genetics Tuebingen Variant Classification Criteria Version 2. Collection method: clinical testing. Allele origin: germline. Affected: yes. Observed: 1 variant allele.